The following is an entry in ClinVar:

ClinVar aggregate classification (germline): Pathogenic (1 of 4 stars; one submission).

Conditions:
Transcobalamin II deficiency (TCN2D). Also called: Transcolabamin II deficiency; TC II DEFICIENCY; TCN2 DEFICIENCY. Identifiers: Orphanet 859, MedGen C0342701, MONDO:0010149, OMIM 275350.

Allele frequency attached by ClinVar (database versions not stated): gnomAD exomes below 0.00001; ExAC 0.00001.

Submission:

Labcorp Genetics (formerly Invitae), Labcorp
Classification: Pathogenic for Transcobalamin II deficiency. Last evaluated: 2023-02-18. Review status: criteria provided, single submitter. Criteria: Invitae Variant Classification Sherloc (09022015). Collection method: clinical testing. Allele origin: germline.
Comment: For these reasons, this variant has been classified as Pathogenic. This variant has not been reported in the literature in individuals affected with TCN2-related conditions. This variant is present in population databases (rs757973864, gnomAD 0.003%). This sequence change creates a premature translational stop signal (p.Thr322Asnfs*17) in the TCN2 gene. It is expected to result in an absent or disrupted protein product. Loss-of-function variants in TCN2 are known to be pathogenic (PMID: 7980584, 20352340).

Literature cited by the submitters: PubMed 7980584; PubMed 20352340.

NM_000355.4(TCN2):c.964dup (p.Thr322fs)

Gene: TCN2 (transcobalamin 2; plus strand). Cytogenetic location: 22q12.2.
Variant type: Duplication.
Coding change: c.964dup on transcript NM_000355.4 (MANE Select); coding-DNA position 964, one base duplicated (A; older notation c.964dupA).
Protein change: p.Thr322fs; shifts the reading frame from threonine 322.
Molecular consequence: frameshift variant.
Genome position (GRCh38, 1-based): chr22:30,617,353, A duplicated. VCF-style (leftmost placement, unchanged base first): chr22-30617352-G-GA. GRCh37 (hg19) VCF-style: chr22-31013339-G-GA.
Other names: c.883dup, p.Thr295fs (NM_001184726.2); short protein forms T322fs, T295fs.
Identifiers: ClinVar variation 2838618 (VCV002838618.3), dbSNP rs757973864, ClinGen allele CA10184922.